The following is an entry in ClinVar:

NM_004168.4(SDHA):c.150+7T>C

Gene: SDHA (succinate dehydrogenase complex flavoprotein subunit A; plus strand). Cytogenetic location: 5p15.33.
Variant type: single nucleotide variant.
Coding change: c.150+7T>C on transcript NM_004168.4 (MANE Select); 7 bases into the intron after coding-DNA position 150, T replaced by C.
Molecular consequence: intron variant.
Genome position (GRCh38, 1-based): chr5:223,575, T>C. VCF-style: chr5-223575-T-C. GRCh37 (hg19) VCF-style: chr5-223690-T-C.
Other names: c.150+7T>C (NM_001330758.2, NM_001294332.2).
Identifiers: ClinVar variation 3749022 (VCV003749022.3).
Genomic context (GRCh38, chr5:223,575, plus strand): 5'-TTTCACTTCACTGTTGATGGGAACAAGAGGGCATCTGCTAAAGTTTCAGATTCCGTAAGT[T>C]CATGCTTTTTGTTCCATTATAAATGATTTTTTTGGCTTAGGGGGTAAGGATCTATACCAG-3'

ClinVar aggregate classification (germline): Likely benign. Review status: criteria provided, multiple submitters, no conflicts (2 of 4 stars). 2 submissions from 2 submitters: Likely benign (2). Last evaluated 2025-02-28.

Conditions:
Pheochromocytoma/paraganglioma syndrome 5. Also called: Paragangliomas 5; SDHA-Related Hereditary Paraganglioma-Pheochromocytoma Syndrome. Identifiers: Orphanet 29072, MedGen C3279992, MONDO:0013602, OMIM 614165.
Mitochondrial complex II deficiency, nuclear type 1. Also called: SUCCINATE CoQ REDUCTASE DEFICIENCY. Identifiers: Orphanet 3208, MedGen C5700310, MONDO:0100294, OMIM 252011.

Submissions (2):

Myriad Genetics, Inc.
Classification: Likely benign for Pheochromocytoma/paraganglioma syndrome 5. Last evaluated: 2025-02-28. Review status: criteria provided, single submitter. Criteria: Myriad Autosomal Dominant, Autosomal Recessive and X-Linked Classification Criteria (2023). Collection method: clinical testing. Allele origin: unknown.
Comment: This variant is considered likely benign. This variant is intronic and is not expected to impact mRNA splicing.

Labcorp Genetics (formerly Invitae), Labcorp
Classification: Likely benign for Pheochromocytoma/paraganglioma syndrome 5; Mitochondrial complex II deficiency, nuclear type 1. Last evaluated: 2025-02-12. Review status: criteria provided, single submitter. Criteria: Invitae Variant Classification Sherloc (09022015). Collection method: clinical testing. Allele origin: germline.